The following is an entry in ClinVar:

NM_213607.3(DNAAF19):c.437A>G (p.Glu146Gly)

Gene: DNAAF19 (dynein axonemal assembly factor 19; plus strand). Cytogenetic location: 17q21.31.
Variant type: single nucleotide variant.
Coding change: c.437A>G on transcript NM_213607.3 (MANE Select); coding-DNA position 437, A replaced by G.
Protein change: p.Glu146Gly; replaces glutamic acid 146 with glycine.
Molecular consequence: missense variant. On other transcripts: 3 prime UTR variant (3).
Genome position (GRCh38, 1-based): chr17:44,902,525, A>G. VCF-style: chr17-44902525-A-G. GRCh37 (hg19) VCF-style: chr17-42979893-A-G.
Other names: c.437A>G, p.Glu146Gly (NM_001258395.2, NM_001258396.2); c.*187A>G (NM_001258397.3); c.*126A>G (NM_001258398.3, NM_001258399.2); short protein forms E146G.
Identifiers: ClinVar variation 860333 (VCV000860333.8), dbSNP rs1389269843, ClinGen allele CA399829159.

ClinVar aggregate classification (germline): Uncertain significance. Review status: criteria provided, multiple submitters, no conflicts (2 of 4 stars). 2 submissions from 2 submitters: Uncertain significance (2). Last evaluated 2024-11-17.

Conditions:
Primary ciliary dyskinesia. Also called: Ciliary dyskinesia. Identifiers: Orphanet 244, MedGen C0008780, MONDO:0016575, HP:0012265.

Allele frequency attached by ClinVar (database versions not stated): TOPMed below 0.00001; gnomAD 0.00001; gnomAD exomes 0.00001.
gnomAD v4.1: 10 of 1,614,016 alleles (0.00062%); highest among the groups gnomAD compares: Admixed American, 0.0017%; no homozygotes.

Submissions (2):

Blueprint Genetics
Classification: Uncertain significance. Last evaluated: 2024-11-17. Review status: criteria provided, single submitter. Criteria: ACMG Guidelines, 2015. Collection method: clinical testing. Allele origin: germline.

Labcorp Genetics (formerly Invitae), Labcorp
Classification: Uncertain significance for Primary ciliary dyskinesia. Last evaluated: 2021-08-31. Review status: criteria provided, single submitter. Criteria: Invitae Variant Classification Sherloc (09022015). Collection method: clinical testing. Allele origin: germline.
Comment: This sequence change replaces glutamic acid with glycine at codon 146 of the CCDC103 protein (p.Glu146Gly). The glutamic acid residue is highly conserved and there is a moderate physicochemical difference between glutamic acid and glycine. This variant is not present in population databases (ExAC no frequency). This variant has not been reported in the literature in individuals affected with CCDC103-related conditions. Algorithms developed to predict the effect of missense changes on protein structure and function are either unavailable or do not agree on the potential impact of this missense change (SIFT: "Deleterious"; PolyPhen-2: "Possibly Damaging"; Align-GVGD: "Class C0"). In summary, the available evidence is currently insufficient to determine the role of this variant in disease. Therefore, it has been classified as a Variant of Uncertain Significance.